The following is an entry in ClinVar:

ClinVar aggregate classification (germline): Uncertain significance (1 of 4 stars; one submission).

Submission:

Labcorp Genetics (formerly Invitae), Labcorp
Classification: Uncertain significance. Last evaluated: 2025-02-10. Review status: criteria provided, single submitter. Criteria: Invitae Variant Classification Sherloc (09022015). Collection method: clinical testing. Allele origin: germline.
Comment: This sequence change falls in intron 11 of the DDR2 gene. It does not directly change the encoded amino acid sequence of the DDR2 protein. It affects a nucleotide within the consensus splice site. This variant is not present in population databases (gnomAD no frequency). This variant has not been reported in the literature in individuals affected with DDR2-related conditions. Variants that disrupt the consensus splice site are a relatively common cause of aberrant splicing (PMID: 17576681, 9536098). Algorithms developed to predict the effect of sequence changes on RNA splicing suggest that this variant may disrupt the consensus splice site. In summary, the available evidence is currently insufficient to determine the role of this variant in disease. Therefore, it has been classified as a Variant of Uncertain Significance.

Literature cited by the submitters: PubMed 17576681; PubMed 9536098.

NM_006182.4(DDR2):c.1293+5G>T

Gene: DDR2 (discoidin domain receptor tyrosine kinase 2; plus strand). Cytogenetic location: 1q23.3.
Variant type: single nucleotide variant.
Coding change: c.1293+5G>T on transcript NM_006182.4 (MANE Select); 5 bases into the intron after coding-DNA position 1293, G replaced by T.
Molecular consequence: intron variant.
Genome position (GRCh38, 1-based): chr1:162,767,364, G>T. VCF-style: chr1-162767364-G-T. GRCh37 (hg19) VCF-style: chr1-162737154-G-T.
Other names: c.1293+5G>T (NM_001354983.2, NM_001354982.2, NM_001014796.3).
Identifiers: ClinVar variation 4778483 (VCV004778483.1).